The following is an entry in ClinVar:

NM_018026.4(PACS1):c.2869T>C (p.Phe957Leu)

Gene: PACS1 (phosphofurin acidic cluster sorting protein 1; plus strand). Cytogenetic location: 11q13.2.
Variant type: single nucleotide variant.
Coding change: c.2869T>C on transcript NM_018026.4 (MANE Select); coding-DNA position 2869, T replaced by C.
Protein change: p.Phe957Leu; replaces phenylalanine 957 with leucine.
Molecular consequence: missense variant.
Genome position (GRCh38, 1-based): chr11:66,243,257, T>C. VCF-style: chr11-66243257-T-C. GRCh37 (hg19) VCF-style: chr11-66010728-T-C.
Other names: short protein forms F957L.
Identifiers: ClinVar variation 5017753 (VCV005017753.1).

ClinVar aggregate classification (germline): Uncertain significance (1 of 4 stars; one submission).

Submission:

GeneDx
Classification: Uncertain significance. Last evaluated: 2026-03-27. Review status: criteria provided, single submitter. Criteria: GeneDx Variant Classification Process June 2021. Collection method: clinical testing. Allele origin: germline.
Comment: Not observed at significant frequency in large population cohorts (gnomAD); In silico analysis supports that this missense variant has a deleterious effect on protein structure/function; Has not been previously published as pathogenic or benign to our knowledge